The following is an entry in ClinVar:

NM_173598.6(KSR2):c.1777C>T (p.Leu593=)

Gene: KSR2 (kinase suppressor of ras 2; minus strand). Cytogenetic location: 12q24.22.
Variant type: single nucleotide variant.
Coding change: c.1777C>T on transcript NM_173598.6 (MANE Select); coding-DNA position 1777, C replaced by T.
Protein change: p.Leu593=; no amino-acid change (leucine 593 retained).
Molecular consequence: synonymous variant.
Genome position (GRCh38, 1-based): chr12:117,530,966, G>A on the plus strand (C>T on the coding strand, the complement: KSR2 is on the minus strand). VCF-style: chr12-117530966-G-A. GRCh37 (hg19) VCF-style: chr12-117968771-G-A.
Identifiers: ClinVar variation 4982787 (VCV004982787.1).

ClinVar aggregate classification (germline): Likely benign (1 of 4 stars; one submission).

Conditions:
KSR2-related disorder. Also called: KSR2-related condition.

gnomAD v4.1: 7 of 1,613,580 alleles (0.00043%); highest among the groups gnomAD compares: African/African-American, 0.0093%; no homozygotes.

Submission:

PreventionGenetics, part of Exact Sciences
Classification: Likely benign for KSR2-related condition. Last evaluated: 2025-02-17. Review status: criteria provided, single submitter. Criteria: ACMG Guidelines, 2015. Collection method: clinical testing. Allele origin: germline.
Comment: This variant is classified as likely benign based on ACMG/AMP sequence variant interpretation guidelines (Richards et al. 2015 PMID: 25741868, with internal and published modifications).